The following is an entry in ClinVar:

NM_014625.4(NPHS2):c.643C>T (p.Gln215Ter)

Gene: NPHS2 (NPHS2 stomatin family member, podocin; minus strand). Cytogenetic location: 1q25.2.
Variant type: single nucleotide variant.
Coding change: c.643C>T on transcript NM_014625.4 (MANE Select); coding-DNA position 643, C replaced by T.
Protein change: p.Gln215Ter; replaces glutamine 215 with a stop codon.
Molecular consequence: nonsense. On other transcripts: intron variant (1).
Genome position (GRCh38, 1-based): chr1:179,557,122, G>A on the plus strand (C>T on the coding strand, the complement: NPHS2 is on the minus strand). VCF-style: chr1-179557122-G-A. GRCh37 (hg19) VCF-style: chr1-179526257-G-A.
Other names: c.534+2557C>T (NM_001297575.2); short protein forms Q215*.
Identifiers: ClinVar variation 370159 (VCV000370159.18), dbSNP rs778055996, ClinGen allele CA16040669.

ClinVar aggregate classification (germline): Pathogenic/Likely pathogenic. Review status: criteria provided, multiple submitters, no conflicts (2 of 4 stars). 9 submissions from 9 submitters: Pathogenic (7); Likely pathogenic (1). 1 of the submissions does not count toward it. Last evaluated 2025-11-10.

Conditions:
Steroid-resistant nephrotic syndrome. Identifiers: MedGen C0403397, MONDO:0044765, HP:0012588.
Nephrotic syndrome, type 2 (NPHS2). Also called: NEPHROTIC SYNDROME, STEROID-RESISTANT, AUTOSOMAL RECESSIVE. Identifiers: Orphanet 656, MedGen C1868672, MONDO:0010974, OMIM 600995.

Allele frequency attached by ClinVar (database versions not stated): gnomAD 0.00003; TOPMed 0.00001.

Submissions (9):

Natera, Inc.
Classification: Pathogenic for Steroid-resistant nephrotic syndrome. Last evaluated: 2025-11-10. Review status: criteria provided, single submitter. Criteria: Natera Variant Classification Schema (03/2026). Collection method: clinical testing. Allele origin: germline.
Comment: The c.643C>T variant in NPHS2 is a nonsense variant predicted to introduce a stop codon at amino acid 215. This variant is expected to result in nonsense mediated decay, truncation, or a dysfunctional protein product. This variant is rare in the general population with a frequency below the threshold expected for the associated phenotype(s). This variant has been observed in one or more individuals affected with the associated recessive disease, as either homozygous or compound heterozygous with a second variant (PMID: 28658201). Given the available evidence, this variant is classified as Pathogenic.

GeneDx
Classification: Pathogenic. Last evaluated: 2024-10-13. Review status: criteria provided, single submitter. Criteria: GeneDx Variant Classification Process June 2021. Collection method: clinical testing. Allele origin: germline. Affected: yes.
Comment: Nonsense variant predicted to result in protein truncation or nonsense mediated decay in a gene for which loss of function is a known mechanism of disease; Not observed at significant frequency in large population cohorts (gnomAD); This variant is associated with the following publications: (PMID: 25525159, 31589614, 30260545, 28117080, 24227627, 24509478, 38765578, 29474669, 28658201, 19145239, 25852895, 18823551)

Baylor Genetics
Classification: Pathogenic for Nephrotic syndrome, type 2. Last evaluated: 2024-03-19. Review status: criteria provided, single submitter. Criteria: ACMG Guidelines, 2015. Collection method: clinical testing. Allele origin: unknown.

Labcorp Genetics (formerly Invitae), Labcorp
Classification: Pathogenic. Last evaluated: 2023-05-23. Review status: criteria provided, single submitter. Criteria: Invitae Variant Classification Sherloc (09022015). Collection method: clinical testing. Allele origin: germline.
Comment: For these reasons, this variant has been classified as Pathogenic. ClinVar contains an entry for this variant (Variation ID: 370159). This premature translational stop signal has been observed in individuals with nephrotic syndrome (PMID: 18823551, 25852895, 28658201). It has also been observed to segregate with disease in related individuals. This variant is present in population databases (no rsID available, gnomAD 0.003%). This sequence change creates a premature translational stop signal (p.Gln215*) in the NPHS2 gene. It is expected to result in an absent or disrupted protein product. Loss-of-function variants in NPHS2 are known to be pathogenic (PMID: 10742096, 14701729, 15253708, 23595123).

Genome-Nilou Lab
Classification: Likely pathogenic for Nephrotic syndrome, type 2. Last evaluated: 2023-04-11. Review status: criteria provided, single submitter. Criteria: ACMG Guidelines, 2015. Collection method: clinical testing. Allele origin: germline. Affected: no.

Fulgent Genetics
Classification: Pathogenic for Nephrotic syndrome, type 2. Last evaluated: 2022-04-12. Review status: criteria provided, single submitter. Criteria: ACMG Guidelines, 2015. Collection method: clinical testing. Allele origin: unknown.

Women's Health and Genetics/Laboratory Corporation of America, LabCorp
Classification: Pathogenic for Idiopathic nephrotic syndrome. Last evaluated: 2019-05-10. Review status: criteria provided, single submitter. Criteria: LabCorp Variant Classification Summary - May 2015. Collection method: clinical testing. Allele origin: germline.
Comment: Variant summary: NPHS2 c.643C>T (p.Gln215X) results in a premature termination codon, predicted to cause a truncation of the encoded protein or absence of the protein due to nonsense mediated decay, which are commonly known mechanisms for disease. The variant allele was found at a frequency of 1.2e-05 in 251220 control chromosomes (gnomAD). c.643C>T has been reported in the literature in multiple homozygous and compound heterozygous individuals affected with Nephrotic Syndrome (e.g. Machuca_2009, Jain_2014, Sadowski_2015, Feltran_2017). These data indicate that the variant is very likely to be associated with disease. To our knowledge, no experimental evidence demonstrating an impact on protein function has been reported. Two clinical diagnostic laboratories have submitted clinical-significance assessments for this variant to ClinVar after 2014 without evidence for independent evaluation, and classified the variant as pathogenic / likely pathogenic. Based on the evidence outlined above, the variant was classified as pathogenic.

Athena Diagnostics
Classification: Pathogenic. Last evaluated: 2017-10-19. Review status: criteria provided, single submitter. Criteria: Athena Diagnostics Criteria. Collection method: clinical testing. Allele origin: germline.

Counsyl
Classification: Likely pathogenic for Nephrotic syndrome, type 2. Last evaluated: 2015-12-07. Review status: no assertion criteria provided. Collection method: clinical testing. Allele origin: unknown. Not counted in ClinVar's aggregate classification.

Literature cited by the submitters: PubMed 28658201 (cited by 3 submitters); PubMed 18823551 (cited by 3 submitters); PubMed 25852895 (cited by 3 submitters); PubMed 10742096 (cited by Labcorp Genetics (formerly Invitae), Labcorp); PubMed 14701729 (cited by Labcorp Genetics (formerly Invitae), Labcorp); PubMed 15253708 (cited by Labcorp Genetics (formerly Invitae), Labcorp); PubMed 23595123 (cited by Labcorp Genetics (formerly Invitae), Labcorp); PubMed 19145239 (cited by Women's Health and Genetics/Laboratory Corporation of America, LabCorp); PubMed 25349199 (cited by Women's Health and Genetics/Laboratory Corporation of America, LabCorp); PubMed 25525159 (cited by Athena Diagnostics); PubMed 24509478 (cited by Athena Diagnostics); PubMed 24227627 (cited by Athena Diagnostics).